The following is an entry in ClinVar:

ClinVar aggregate classification (germline): Uncertain significance (1 of 4 stars; one submission).

Allele frequency attached by ClinVar (database versions not stated): gnomAD 0.00001; TOPMed 0.00001.
gnomAD v4.1: 1 of 1,307,926 alleles (0.000076%); highest among the groups gnomAD compares: African/African-American, 0.0015%; no homozygotes.

Submission:

Labcorp Genetics (formerly Invitae), Labcorp
Classification: Uncertain significance. Last evaluated: 2024-10-23. Review status: criteria provided, single submitter. Criteria: Invitae Variant Classification Sherloc (09022015). Collection method: clinical testing. Allele origin: germline.
Comment: This sequence change replaces lysine, which is basic and polar, with threonine, which is neutral and polar, at codon 131 of the TBCK protein (p.Lys131Thr). This variant is not present in population databases (gnomAD no frequency). This variant has not been reported in the literature in individuals affected with TBCK-related conditions. ClinVar contains an entry for this variant (Variation ID: 1410622). Invitae Evidence Modeling of protein sequence and biophysical properties (such as structural, functional, and spatial information, amino acid conservation, physicochemical variation, residue mobility, and thermodynamic stability) indicates that this missense variant is expected to disrupt TBCK protein function with a positive predictive value of 80%. In summary, the available evidence is currently insufficient to determine the role of this variant in disease. Therefore, it has been classified as a Variant of Uncertain Significance.

NM_001163435.3(TBCK):c.392A>C (p.Lys131Thr)

Gene: TBCK (TBC1 domain containing kinase; minus strand). Cytogenetic location: 4q24.
Variant type: single nucleotide variant.
Coding change: c.392A>C on transcript NM_001163435.3 (MANE Select); coding-DNA position 392, A replaced by C.
Protein change: p.Lys131Thr; replaces lysine 131 with threonine.
Molecular consequence: missense variant. On other transcripts: 5 prime UTR variant (1), intron variant (1).
Genome position (GRCh38, 1-based): chr4:106,260,500, T>G on the plus strand (A>C on the coding strand, the complement: TBCK is on the minus strand). VCF-style: chr4-106260500-T-G. GRCh37 (hg19) VCF-style: chr4-107181657-T-G.
Other names: c.392A>C, p.Lys131Thr (NM_001163436.4, NM_001163437.3); c.-226A>C (NM_001290768.2); c.267-8493A>C (NM_033115.5); short protein forms K131T.
Identifiers: ClinVar variation 1410622 (VCV001410622.6), dbSNP rs910776688, ClinGen allele CA103416515.
Genomic context (GRCh38, chr4:106,260,500, plus strand): 5'-ATTGGGAAATCAACATCATCACCATGAGCTGTCATGTGATAAAGTCCAAATTTAGCCAAT[T>G]TAATATGTCCCTATGATAATAAAGAAAAAAAACACTATCAAATAATTTATTATAATTGGC-3'
Protein context (NP_001156907.2, residues 121-141): NILLDRKGHI[Lys131Thr]LAKFGLYHMT